The following is an entry in ClinVar:

ClinVar aggregate classification (germline): Uncertain significance. Review status: criteria provided, multiple submitters, no conflicts (2 of 4 stars). 2 submissions from 2 submitters: Uncertain significance (2). Last evaluated 2024-07-28.

Conditions:
Aortic valve disease 2 (AOVD2). Identifiers: MedGen C3542024, MONDO:0013902, OMIM 614823.
Cardiovascular phenotype. Identifiers: MedGen CN230736.

Allele frequency attached by ClinVar (database versions not stated): ExAC 0.00001; gnomAD exomes 0.00001; gnomAD 0.00002; TOPMed 0.00002.
gnomAD v4.1: 17 of 1,613,242 alleles (0.0011%); highest among the groups gnomAD compares: African/African-American, 0.004%; no homozygotes.

Submissions (2):

Ambry Genetics
Classification: Uncertain significance for Cardiovascular phenotype. Last evaluated: 2024-07-28. Review status: criteria provided, single submitter. Criteria: Ambry Variant Classification Scheme 2023. Collection method: clinical testing. Allele origin: germline.
Comment: The p.F168S variant (also known as c.503T>C), located in coding exon 4 of the TBX5 gene, results from a T to C substitution at nucleotide position 503. The phenylalanine at codon 168 is replaced by serine, an amino acid with highly dissimilar properties. This amino acid position is conserved. In addition, the in silico prediction for this alteration is inconclusive. Since supporting evidence is limited at this time, the clinical significance of this alteration remains unclear.

Labcorp Genetics (formerly Invitae), Labcorp
Classification: Uncertain significance for Aortic valve disease 2. Last evaluated: 2023-06-12. Review status: criteria provided, single submitter. Criteria: Invitae Variant Classification Sherloc (09022015). Collection method: clinical testing. Allele origin: germline.
Comment: This sequence change replaces phenylalanine, which is neutral and non-polar, with serine, which is neutral and polar, at codon 168 of the TBX5 protein (p.Phe168Ser). In summary, the available evidence is currently insufficient to determine the role of this variant in disease. Therefore, it has been classified as a Variant of Uncertain Significance. Advanced modeling of protein sequence and biophysical properties (such as structural, functional, and spatial information, amino acid conservation, physicochemical variation, residue mobility, and thermodynamic stability) performed at Invitae indicates that this missense variant is not expected to disrupt TBX5 protein function. ClinVar contains an entry for this variant (Variation ID: 1744945). This variant has not been reported in the literature in individuals affected with TBX5-related conditions. This variant is present in population databases (rs753047224, gnomAD 0.004%).

NM_181486.4(TBX5):c.503T>C (p.Phe168Ser)

Gene: TBX5 (T-box transcription factor 5; minus strand). Cytogenetic location: 12q24.21.
Variant type: single nucleotide variant.
Coding change: c.503T>C on transcript NM_181486.4 (MANE Select); coding-DNA position 503, T replaced by C.
Protein change: p.Phe168Ser; replaces phenylalanine 168 with serine.
Molecular consequence: missense variant.
Genome position (GRCh38, 1-based): chr12:114,398,580, A>G on the plus strand (T>C on the coding strand, the complement: TBX5 is on the minus strand). VCF-style: chr12-114398580-A-G. GRCh37 (hg19) VCF-style: chr12-114836385-A-G.
Other names: c.503T>C, p.Phe168Ser (NM_000192.3); c.353T>C, p.Phe118Ser (NM_080717.4); short protein forms F168S, F118S.
Identifiers: ClinVar variation 1744945 (VCV001744945.6), dbSNP rs753047224, ClinGen allele CA6809600.